The following is an entry in ClinVar:

ClinVar aggregate classification (germline): Uncertain significance (1 of 4 stars; one submission).

Conditions:
Gorlin syndrome. Also called: Nevoid Basal Cell Carcinoma Syndrome; Basal cell nevus syndrome. Identifiers: Orphanet 377, MedGen C0004779, MONDO:0007187.

Submission:

Labcorp Genetics (formerly Invitae), Labcorp
Classification: Uncertain significance for Gorlin syndrome. Last evaluated: 2020-01-25. Review status: criteria provided, single submitter. Criteria: Invitae Variant Classification Sherloc (09022015). Collection method: clinical testing. Allele origin: germline.
Comment: Algorithms developed to predict the effect of missense changes on protein structure and function are either unavailable or do not agree on the potential impact of this missense change (SIFT: "Tolerated"; PolyPhen-2: "Possibly Damaging"; Align-GVGD: "Class C0"). This sequence change replaces glutamine with histidine at codon 576 of the PTCH1 protein (p.Gln576His). The glutamine residue is moderately conserved and there is a small physicochemical difference between glutamine and histidine. This variant also falls at the last nucleotide of exon 12 of the PTCH1 coding sequence, which is part of the consensus splice site for this exon. This variant is not present in population databases (ExAC no frequency). This variant has not been reported in the literature in individuals with PTCH1-related conditions. Nucleotide substitutions within the consensus splice site are a relatively common cause of aberrant splicing (PMID: 17576681, 9536098). Algorithms developed to predict the effect of sequence changes on RNA splicing suggest that this variant may disrupt the consensus splice site, but this prediction has not been confirmed by published transcriptional studies. In summary, the available evidence is currently insufficient to determine the role of this variant in disease. Therefore, it has been classified as a Variant of Uncertain Significance.

Literature cited by the submitters: PubMed 17576681; PubMed 9536098.

NM_000264.5(PTCH1):c.1728G>T (p.Gln576His)

Gene: PTCH1 (patched 1; minus strand). Cytogenetic location: 9q22.32.
Variant type: single nucleotide variant.
Coding change: c.1728G>T on transcript NM_000264.5 (MANE Select); coding-DNA position 1728, G replaced by T.
Protein change: p.Gln576His; replaces glutamine 576 with histidine.
Molecular consequence: missense variant. On other transcripts: non-coding transcript variant (1).
Genome position (GRCh38, 1-based): chr9:95,476,034, C>A on the plus strand (G>T on the coding strand, the complement: PTCH1 is on the minus strand). VCF-style: chr9-95476034-C-A. GRCh37 (hg19) VCF-style: chr9-98238316-C-A.
Other names: c.1530G>T, p.Gln510His (NM_001083602.3); c.1725G>T, p.Gln575His (NM_001083603.3); c.1275G>T, p.Gln425His (NM_001083604.3, NM_001083605.3, NM_001083606.3 and 1 more transcripts); c.1572G>T, p.Gln524His (NM_001354918.2); short protein forms Q425H, Q510H, Q524H, Q575H, Q576H.
Identifiers: ClinVar variation 1015676 (VCV001015676.12), dbSNP rs1841001917, ClinGen allele CA374117871.